The following is an entry in ClinVar:

ClinVar aggregate classification (germline): Uncertain significance (1 of 4 stars; one submission).

Conditions:
Dilated cardiomyopathy 1M (CMD1M). Identifiers: Orphanet 154, MedGen C1843808, MONDO:0011840, OMIM 607482.
Hypertrophic cardiomyopathy 12. Identifiers: MedGen C2677491, MONDO:0012804, OMIM 612124.

gnomAD v4.1: 1 of 1,603,444 alleles (0.000062%); highest among the groups gnomAD compares: Non-Finnish European, 0.000085%; no homozygotes.

Submission:

Labcorp Genetics (formerly Invitae), Labcorp
Classification: Uncertain significance for Hypertrophic cardiomyopathy 12; Dilated cardiomyopathy 1M. Last evaluated: 2022-02-21. Review status: criteria provided, single submitter. Criteria: Invitae Variant Classification Sherloc (09022015). Collection method: clinical testing. Allele origin: germline.
Comment: In summary, the available evidence is currently insufficient to determine the role of this variant in disease. Therefore, it has been classified as a Variant of Uncertain Significance. Variants that disrupt the consensus splice site are a relatively common cause of aberrant splicing (PMID: 17576681, 9536098). Algorithms developed to predict the effect of sequence changes on RNA splicing suggest that this variant may disrupt the consensus splice site. This variant has not been reported in the literature in individuals affected with CSRP3-related conditions. This variant is not present in population databases (gnomAD no frequency). This sequence change falls in intron 6 of the CSRP3 gene. It does not directly change the encoded amino acid sequence of the CSRP3 protein. It affects a nucleotide within the consensus splice site.

Literature cited by the submitters: PubMed 17576681; PubMed 9536098.

NM_003476.5(CSRP3):c.508+5G>C

Gene: CSRP3 (cysteine and glycine rich protein 3; minus strand). Cytogenetic location: 11p15.1.
Variant type: single nucleotide variant.
Coding change: c.508+5G>C on transcript NM_003476.5 (MANE Select); 5 bases into the intron after coding-DNA position 508, G replaced by C.
Molecular consequence: intron variant.
Genome position (GRCh38, 1-based): chr11:19,184,947, C>G on the plus strand (G>C on the coding strand, the complement: CSRP3 is on the minus strand). VCF-style: chr11-19184947-C-G. GRCh37 (hg19) VCF-style: chr11-19206494-C-G.
Other names: c.339+5G>C (NM_001369404.1).
Identifiers: ClinVar variation 2100939 (VCV002100939.4), dbSNP rs2133506773, ClinGen allele CA2580082840.